The following is an entry in ClinVar:

NM_005732.4(RAD50):c.2255del (p.Asn752fs)

Gene: RAD50 (RAD50 double strand break repair protein; plus strand). Cytogenetic location: 5q31.1.
Variant type: Deletion.
Coding change: c.2255del on transcript NM_005732.4 (MANE Select); coding-DNA position 2255, one base deleted (A; older notation c.2255delA).
Protein change: p.Asn752fs; shifts the reading frame from asparagine 752.
Molecular consequence: frameshift variant.
Genome position (GRCh38, 1-based): chr5:132,603,347, A deleted; the last of 3 consecutive A bases (chr5:132,603,345-132,603,347); deleting any one gives the same sequence. VCF-style (leftmost placement, unchanged base first): chr5-132603344-GA-G. GRCh37 (hg19) VCF-style: chr5-131939036-GA-G.
Other names: short protein forms N752fs.
Identifiers: ClinVar variation 2810010 (VCV002810010.3), dbSNP rs2479664803, ClinGen allele CA2739275063.
Genomic context (GRCh38, chr5:132,603,344, plus strand): 5'-TGTGTTTTCTATTTAGGCAAAGCATAATTGATTTGAAGGAGAAGGAAATACCAGAATTAA[GA>G]AACAAACTGCAGAATGTCAATAGAGACATACAGCGCCTAAAGAACGACATAGAAGAACAA-3'

ClinVar aggregate classification (germline): Pathogenic (1 of 4 stars; one submission).

Conditions:
Hereditary cancer-predisposing syndrome. Also called: Tumor predisposition; Hereditary Cancer Syndrome; Hereditary neoplastic syndrome; Neoplastic Syndromes, Hereditary. Identifiers: Orphanet 140162, MedGen C0027672, MeSH D009386, MONDO:0015356.

Submission:

Labcorp Genetics (formerly Invitae), Labcorp
Classification: Pathogenic for Hereditary cancer-predisposing syndrome. Last evaluated: 2022-10-27. Review status: criteria provided, single submitter. Criteria: Invitae Variant Classification Sherloc (09022015). Collection method: clinical testing. Allele origin: germline.
Comment: This variant has not been reported in the literature in individuals affected with RAD50-related conditions. For these reasons, this variant has been classified as Pathogenic. This variant is not present in population databases (gnomAD no frequency). This sequence change creates a premature translational stop signal (p.Asn752Thrfs*13) in the RAD50 gene. It is expected to result in an absent or disrupted protein product. Loss-of-function variants in RAD50 are known to be pathogenic (PMID: 19409520).

Literature cited by the submitters: PubMed 19409520.